The following is an entry in ClinVar:

NM_001999.4(FBN2):c.4472-12T>A

Gene: FBN2 (fibrillin 2; minus strand). Cytogenetic location: 5q23.3.
Variant type: single nucleotide variant.
Coding change: c.4472-12T>A on transcript NM_001999.4 (MANE Select); 12 bases into the intron before coding-DNA position 4472, T replaced by A.
Molecular consequence: intron variant.
Genome position (GRCh38, 1-based): chr5:128,319,013, A>T on the plus strand (T>A on the coding strand, the complement: FBN2 is on the minus strand). VCF-style: chr5-128319013-A-T. GRCh37 (hg19) VCF-style: chr5-127654705-A-T.
Identifiers: ClinVar variation 137331 (VCV000137331.11), dbSNP rs551686237, ClinGen allele CA290872.

ClinVar aggregate classification (germline): Benign/Likely benign. Review status: criteria provided, multiple submitters, no conflicts (2 of 4 stars). 4 submissions from 4 submitters: Benign (3); Likely benign (1). Last evaluated 2026-01-18.

Conditions:
Congenital contractural arachnodactyly (CCA). Also called: Beals-Hecht syndrome; Arthrogryposis, distal, type 9; BEALS SYNDROME. Identifiers: Orphanet 115, MedGen C0220668, MONDO:0007363, OMIM 121050.

Allele frequency attached by ClinVar (database versions not stated): gnomAD exomes 0.00040 and 0.00043; ExAC 0.00048; gnomAD 0.00054 and 0.00055; TOPMed 0.00057; 1000 Genomes Project 0.00080.
gnomAD v4.1: 644 of 1,576,628 alleles (0.041%); highest among the groups gnomAD compares: African/African-American, 0.12%; no homozygotes.

Submissions (4):

Labcorp Genetics (formerly Invitae), Labcorp
Classification: Benign for Congenital contractural arachnodactyly. Last evaluated: 2026-01-18. Review status: criteria provided, single submitter. Criteria: Invitae Variant Classification Sherloc (09022015). Collection method: clinical testing. Allele origin: germline.

Blueprint Genetics
Classification: Likely benign. Last evaluated: 2024-11-14. Review status: criteria provided, single submitter. Criteria: ACMG Guidelines, 2015. Collection method: clinical testing. Allele origin: germline.

Women's Health and Genetics/Laboratory Corporation of America, LabCorp
Classification: Benign. Last evaluated: 2023-07-21. Review status: criteria provided, single submitter. Criteria: LabCorp Variant Classification Summary - May 2015. Collection method: clinical testing. Allele origin: germline.

GeneDx
Classification: Benign. Last evaluated: 2014-02-06. Review status: criteria provided, single submitter. Criteria: GeneDx Variant Classification (06012015). Collection method: clinical testing. Allele origin: germline. Affected: yes.
Comment: This variant is considered likely benign or benign based on one or more of the following criteria: it is a conservative change, it occurs at a poorly conserved position in the protein, it is predicted to be benign by multiple in silico algorithms, and/or has population frequency not consistent with disease.